The following is an entry in ClinVar:

NM_004456.5(EZH2):c.53G>A (p.Arg18His)

Gene: EZH2 (enhancer of zeste 2 polycomb repressive complex 2 subunit; minus strand). Cytogenetic location: 7q36.1.
Variant type: single nucleotide variant.
Coding change: c.53G>A on transcript NM_004456.5 (MANE Select); coding-DNA position 53, G replaced by A.
Protein change: p.Arg18His; replaces arginine 18 with histidine.
Molecular consequence: missense variant.
Genome position (GRCh38, 1-based): chr7:148,847,246, C>T on the plus strand (G>A on the coding strand, the complement: EZH2 is on the minus strand). VCF-style: chr7-148847246-C-T. GRCh37 (hg19) VCF-style: chr7-148544338-C-T.
Other names: c.53G>A, p.Arg18His (NM_001203247.2, NM_001203248.2, NM_001203249.2 and 1 more transcripts); short protein forms R18H.
Identifiers: ClinVar variation 3714162 (VCV003714162.3).

ClinVar aggregate classification (germline): Uncertain significance. Review status: criteria provided, multiple submitters, no conflicts (2 of 4 stars). 2 submissions from 2 submitters: Uncertain significance (2). Last evaluated 2024-12-03.

Conditions:
Weaver syndrome (WVS). Also called: Weaver Smith syndrome; Overgrowth syndrome with accelerated skeletal maturation, unusual facies, and camptodactyly. Identifiers: Orphanet 3447, MedGen C0265210, MONDO:0010193, OMIM 277590.

gnomAD v4.1: 12 of 1,613,900 alleles (0.00074%); highest among the groups gnomAD compares: Non-Finnish European, 0.00093%; no homozygotes.

Submissions (2):

GeneDx
Classification: Uncertain significance. Last evaluated: 2024-12-03. Review status: criteria provided, single submitter. Criteria: GeneDx Variant Classification Process June 2021. Collection method: clinical testing. Allele origin: germline. Affected: yes.
Comment: Not observed at significant frequency in large population cohorts (gnomAD); In silico analysis supports that this missense variant has a deleterious effect on protein structure/function; Has not been previously published as pathogenic or benign to our knowledge

Labcorp Genetics (formerly Invitae), Labcorp
Classification: Uncertain significance for Weaver syndrome. Last evaluated: 2024-07-17. Review status: criteria provided, single submitter. Criteria: Invitae Variant Classification Sherloc (09022015). Collection method: clinical testing. Allele origin: germline.
Comment: This sequence change replaces arginine, which is basic and polar, with histidine, which is basic and polar, at codon 18 of the EZH2 protein (p.Arg18His). This variant is not present in population databases (gnomAD no frequency). This variant has not been reported in the literature in individuals affected with EZH2-related conditions. Advanced modeling of protein sequence and biophysical properties (such as structural, functional, and spatial information, amino acid conservation, physicochemical variation, residue mobility, and thermodynamic stability) performed at Invitae indicates that this missense variant is not expected to disrupt EZH2 protein function with a negative predictive value of 95%. In summary, the available evidence is currently insufficient to determine the role of this variant in disease. Therefore, it has been classified as a Variant of Uncertain Significance.